The following is an entry in ClinVar:

ClinVar aggregate classification (germline): Uncertain significance (1 of 4 stars; one submission).

gnomAD v4.1: 33 of 1,614,080 alleles (0.002%); highest among the groups gnomAD compares: Non-Finnish European, 0.0026%; no homozygotes.

Submission:

Ambry Genetics
Classification: Uncertain significance. Last evaluated: 2025-10-28. Review status: criteria provided, single submitter. Criteria: Ambry Variant Classification Scheme 2023. Collection method: clinical testing. Allele origin: germline.
Comment: The c.6113C>T (p.T2038I) alteration is located in exon 44 (coding exon 44) of the FRY gene. This alteration results from a C to T substitution at nucleotide position 6113, causing the threonine (T) at amino acid position 2038 to be replaced by an isoleucine (I). Based on data from gnomAD, the T allele has an overall frequency of 0.004% (11/249396) total alleles studied. The highest observed frequency was 0.017% (1/6056) of Other alleles. Based on insufficient or conflicting evidence, the clinical significance of this alteration remains unclear.

NM_023037.3(FRY):c.6113C>T (p.Thr2038Ile)

Gene: FRY (FRY microtubule binding protein; plus strand). Cytogenetic location: 13q13.1.
Variant type: single nucleotide variant.
Coding change: c.6113C>T on transcript NM_023037.3 (MANE Select); coding-DNA position 6113, C replaced by T.
Protein change: p.Thr2038Ile; replaces threonine 2038 with isoleucine.
Molecular consequence: missense variant.
Genome position (GRCh38, 1-based): chr13:32,237,681, C>T. VCF-style: chr13-32237681-C-T. GRCh37 (hg19) VCF-style: chr13-32811818-C-T.
Other names: c.6113C>T, p.Thr2038Ile (NM_001411012.1); short protein forms T2038I.
Identifiers: ClinVar variation 4669824 (VCV004669824.1).
Genomic context (GRCh38, chr13:32,237,681, plus strand): 5'-CCAGAAGCTCATCCTCCTTGAAGGACAGTCTCACGGACCCATCCCACATAAACCATCCCA[C>T]CAACCTGCTGGCCACCATATTCTGGGTCACAGTGGCCTTGATGGAGTCTGATTTTGAGTT-3'
Protein context (NP_075463.2, residues 2028-2048): LTDPSHINHP[Thr2038Ile]NLLATIFWVT